The following is an entry in ClinVar:

ClinVar aggregate classification (germline): Conflicting classifications of pathogenicity. Review status: criteria provided, conflicting classifications (1 of 4 stars). 6 submissions from 6 submitters: Likely pathogenic (1); Uncertain significance (4). 1 of the submissions does not count toward it. Last evaluated 2024-09-22.

Conditions:
Retinitis pigmentosa 74 (RP74). Identifiers: Orphanet 791, MedGen C4225281, MONDO:0014692, OMIM 616562.
Bardet-Biedl syndrome 2 (BBS2). Identifiers: Orphanet 110, MedGen C2936863, MONDO:0014432, OMIM 615981.
BBS2-related disorder. Also called: BBS2-related condition; BBS2-related disorders. Identifiers: MedGen CN239228.
Bardet-Biedl syndrome (BBS). Identifiers: Orphanet 110, MedGen C0752166, MONDO:0015229.

Allele frequency attached by ClinVar (database versions not stated): TOPMed below 0.00001; ExAC 0.00001; gnomAD 0.00001; gnomAD exomes 0.00001.
gnomAD v4.1: 8 of 1,613,964 alleles (0.0005%); highest among the groups gnomAD compares: Non-Finnish European, 0.00068%; no homozygotes.

Submissions (6):

Genomic Medicine Center of Excellence, King Faisal Specialist Hospital and Research Centre
Classification: Uncertain significance for Bardet-Biedl syndrome 2. Last evaluated: 2024-09-22. Review status: criteria provided, single submitter. Criteria: ACMG Guidelines, 2015. Collection method: clinical testing. Allele origin: germline.

Labcorp Genetics (formerly Invitae), Labcorp
Classification: Uncertain significance for Bardet-Biedl syndrome. Last evaluated: 2022-09-20. Review status: criteria provided, single submitter. Criteria: Invitae Variant Classification Sherloc (09022015). Collection method: clinical testing. Allele origin: germline.
Comment: This sequence change replaces phenylalanine, which is neutral and non-polar, with leucine, which is neutral and non-polar, at codon 112 of the BBS2 protein (p.Phe112Leu). This variant is present in population databases (rs772864503, gnomAD 0.002%). This missense change has been observed in individual(s) with BBS2-related conditions (PMID: 28005958). ClinVar contains an entry for this variant (Variation ID: 554915). Advanced modeling of protein sequence and biophysical properties (such as structural, functional, and spatial information, amino acid conservation, physicochemical variation, residue mobility, and thermodynamic stability) performed at Invitae indicates that this missense variant is expected to disrupt BBS2 protein function. In summary, the available evidence is currently insufficient to determine the role of this variant in disease. Therefore, it has been classified as a Variant of Uncertain Significance.

Blueprint Genetics
Classification: Likely pathogenic for BBS2-related disorders. Last evaluated: 2022-09-12. Review status: criteria provided, single submitter. Criteria: ACMG Guidelines, 2015. Collection method: clinical testing. Allele origin: germline. Affected: yes. Observed: 2 variant alleles.

UAEU Genomics Laboratory, United Arab Emirates University
Classification: Uncertain significance for Bardet-Biedl syndrome 2. Last evaluated: 2022-02-24. Review status: criteria provided, single submitter. Criteria: ACMG Guidelines, 2015. Collection method: research. Allele origin: germline. Affected: yes. Observed: 1 variant allele.
Comment: PM2, PP3, PP1

Fulgent Genetics
Classification: Uncertain significance for Bardet-Biedl syndrome 2; Retinitis pigmentosa 74. Last evaluated: 2021-08-02. Review status: criteria provided, single submitter. Criteria: ACMG Guidelines, 2015. Collection method: clinical testing. Allele origin: unknown.

Counsyl
Classification: Uncertain significance for Bardet-Biedl syndrome 2. Last evaluated: 2017-11-08. Review status: no assertion criteria provided. Collection method: clinical testing. Allele origin: unknown. Not counted in ClinVar's aggregate classification.

Literature cited by the submitters: PubMed 28005958 (cited by Labcorp Genetics (formerly Invitae), Labcorp and Counsyl).

NM_031885.5(BBS2):c.334T>C (p.Phe112Leu)

Gene: BBS2 (Bardet-Biedl syndrome 2; minus strand). Cytogenetic location: 16q13.
Variant type: single nucleotide variant.
Coding change: c.334T>C on transcript NM_031885.5 (MANE Select); coding-DNA position 334, T replaced by C.
Protein change: p.Phe112Leu; replaces phenylalanine 112 with leucine.
Molecular consequence: missense variant. On other transcripts: non-coding transcript variant (5).
Genome position (GRCh38, 1-based): chr16:56,514,464, A>G on the plus strand (T>C on the coding strand, the complement: BBS2 is on the minus strand). VCF-style: chr16-56514464-A-G. GRCh37 (hg19) VCF-style: chr16-56548376-A-G.
Other names: c.334T>C, p.Phe112Leu (NM_001377456.1); short protein forms F112L.
Identifiers: ClinVar variation 554915 (VCV000554915.8), dbSNP rs772864503, ClinGen allele CA8066080.